The following is an entry in ClinVar:

NM_003680.4(YARS1):c.130A>G (p.Thr44Ala)

Gene: YARS1 (tyrosyl-tRNA synthetase 1; minus strand). Cytogenetic location: 1p35.1.
Variant type: single nucleotide variant.
Coding change: c.130A>G on transcript NM_003680.4 (MANE Select); coding-DNA position 130, A replaced by G.
Protein change: p.Thr44Ala; replaces threonine 44 with alanine.
Molecular consequence: missense variant.
Genome position (GRCh38, 1-based): chr1:32,810,985, T>C on the plus strand (A>G on the coding strand, the complement: YARS1 is on the minus strand). VCF-style: chr1-32810985-T-C. GRCh37 (hg19) VCF-style: chr1-33276586-T-C.
Other names: short protein forms T44A.
Identifiers: ClinVar variation 1030695 (VCV001030695.1), dbSNP rs1638571973, ClinGen allele CA339687671.
Genomic context (GRCh38, chr1:32,810,985, plus strand): 5'-TTAAGAAGTCTGCAATCTTTGACATGGGCACAAAGTAAGCCACATGTGGTTTGCCCGTGG[T>C]TGCCGTTCCCCAGTAAATTTTAAGTTCCCGCTCCTTCAGTATCTCCTTCAGCTTCTCTTC-3'
Protein context (NP_003671.1, residues 34-54): RELKIYWGTA[Thr44Ala]TGKPHVAYFV

ClinVar aggregate classification (germline): Uncertain significance (1 of 4 stars; one submission).

Conditions:
Charcot-Marie-Tooth disease dominant intermediate C (CMTDIC). Also called: CHARCOT-MARIE-TOOTH NEUROPATHY, DOMINANT INTERMEDIATE C. Identifiers: Orphanet 100045, MedGen C1842237, MONDO:0012012, OMIM 608323.

Submission:

Baylor Genetics
Classification: Uncertain significance for Charcot-Marie-Tooth disease dominant intermediate C. Last evaluated: 2019-06-21. Review status: criteria provided, single submitter. Criteria: ACMG Guidelines, 2015. Collection method: clinical testing. Allele origin: unknown. Affected: yes.
Comment: This variant was determined to be of uncertain significance according to ACMG Guidelines, 2015 [PMID:25741868].